The following is an entry in ClinVar:

ClinVar aggregate classification (germline): Benign (0 of 4 stars; one submission).

Conditions:
LRIG1-related disorder. Also called: LRIG1-related condition.

Allele frequency attached by ClinVar (database versions not stated): gnomAD 0.00059; TOPMed 0.00070; ExAC 0.00105; 1000 Genomes Project 0.00280; 1000 Genomes Project 30x 0.00297.
gnomAD v4.1: 825 of 1,614,208 alleles (0.051%); highest among the groups gnomAD compares: East Asian, 1.6%; 9 homozygotes.

Submission:

PreventionGenetics, part of Exact Sciences
Classification: Benign for LRIG1-related condition. Last evaluated: 2019-08-09. Review status: no assertion criteria provided. Collection method: clinical testing. Allele origin: germline.
Comment: This variant is classified as benign based on ACMG/AMP sequence variant interpretation guidelines (Richards et al. 2015 PMID: 25741868, with internal and published modifications).

NM_015541.3(LRIG1):c.2895G>A (p.Pro965=)

Gene: LRIG1 (leucine rich repeats and immunoglobulin like domains 1; minus strand). Cytogenetic location: 3p14.1.
Variant type: single nucleotide variant.
Coding change: c.2895G>A on transcript NM_015541.3 (MANE Select); coding-DNA position 2895, G replaced by A.
Protein change: p.Pro965=; no amino-acid change (proline 965 retained).
Molecular consequence: synonymous variant.
Genome position (GRCh38, 1-based): chr3:66,380,737, C>T on the plus strand (G>A on the coding strand, the complement: LRIG1 is on the minus strand). VCF-style: chr3-66380737-C-T. GRCh37 (hg19) VCF-style: chr3-66431161-C-T.
Other names: c.2820G>A, p.Pro940= (NM_001377344.1); c.2115G>A, p.Pro705= (NM_001377345.1, NM_001377346.1); c.1893G>A, p.Pro631= (NM_001377347.1); c.1866G>A, p.Pro622= (NM_001377348.1); c.1611G>A, p.Pro537= (NM_001377349.1).
Identifiers: ClinVar variation 3043420 (VCV003043420.2), dbSNP rs2279288, ClinGen allele CA2484116.